The following is an entry in ClinVar:

ClinVar aggregate classification (germline): Uncertain significance (1 of 4 stars; one submission).

Allele frequency attached by ClinVar (database versions not stated): gnomAD exomes below 0.00001; gnomAD 0.00001; TOPMed 0.00001.
gnomAD v4.1: 6 of 1,614,098 alleles (0.00037%); highest among the groups gnomAD compares: East Asian, 0.013%; no homozygotes.

Submission:

Labcorp Genetics (formerly Invitae), Labcorp
Classification: Uncertain significance. Last evaluated: 2023-03-08. Review status: criteria provided, single submitter. Criteria: Invitae Variant Classification Sherloc (09022015). Collection method: clinical testing. Allele origin: germline.
Comment: This sequence change replaces glycine, which is neutral and non-polar, with arginine, which is basic and polar, at codon 387 of the ALPK1 protein (p.Gly387Arg). In summary, the available evidence is currently insufficient to determine the role of this variant in disease. Therefore, it has been classified as a Variant of Uncertain Significance. Advanced modeling of protein sequence and biophysical properties (such as structural, functional, and spatial information, amino acid conservation, physicochemical variation, residue mobility, and thermodynamic stability) performed at Invitae indicates that this missense variant is not expected to disrupt ALPK1 protein function. This variant has not been reported in the literature in individuals affected with ALPK1-related conditions. This variant is present in population databases (no rsID available, gnomAD 0.02%).

NM_025144.4(ALPK1):c.1159G>C (p.Gly387Arg)

Gene: ALPK1 (alpha kinase 1; plus strand). Cytogenetic location: 4q25.
Variant type: single nucleotide variant.
Coding change: c.1159G>C on transcript NM_025144.4 (MANE Select); coding-DNA position 1159, G replaced by C.
Protein change: p.Gly387Arg; replaces glycine 387 with arginine.
Molecular consequence: missense variant.
Genome position (GRCh38, 1-based): chr4:112,430,706, G>C. VCF-style: chr4-112430706-G-C. GRCh37 (hg19) VCF-style: chr4-113351862-G-C.
Other names: c.1159G>C, p.Gly387Arg (NM_001102406.2); c.925G>C, p.Gly309Arg (NM_001253884.2); short protein forms G309R, G387R.
Identifiers: ClinVar variation 2805506 (VCV002805506.3), dbSNP rs1358557362, ClinGen allele CA357893847.